The following is an entry in ClinVar:

NM_000141.5(FGFR2):c.1574A>T (p.Glu525Val)

Gene: FGFR2 (fibroblast growth factor receptor 2; minus strand). Cytogenetic location: 10q26.13.
Variant type: single nucleotide variant.
Coding change: c.1574A>T on transcript NM_000141.5 (MANE Select); coding-DNA position 1574, A replaced by T.
Protein change: p.Glu525Val; replaces glutamic acid 525 with valine.
Molecular consequence: missense variant. On other transcripts: non-coding transcript variant (1).
Genome position (GRCh38, 1-based): chr10:121,498,593, T>A on the plus strand (A>T on the coding strand, the complement: FGFR2 is on the minus strand). VCF-style: chr10-121498593-T-A. GRCh37 (hg19) VCF-style: chr10-123258107-T-A.
Other names: c.1577A>T, p.Glu526Val (NM_001144913.1, NM_022970.4); c.1238A>T, p.Glu413Val (NM_001144914.1); c.1307A>T, p.Glu436Val (NM_001144915.2, NM_023029.3); c.1229A>T, p.Glu410Val (NM_001144916.2); c.1226A>T, p.Glu409Val (NM_001144917.2); c.1223A>T, p.Glu408Val (NM_001144918.2); c.1310A>T, p.Glu437Val (NM_001144919.2); c.890A>T, p.Glu297Val (NM_001320654.2); and 1 more; short protein forms E297V, E408V, E409V, E410V, E413V, E436V, E437V, E523V.
Identifiers: ClinVar variation 3368607 (VCV003368607.1).

ClinVar aggregate classification (germline): Uncertain significance (1 of 4 stars; one submission).

Submission:

GeneDx
Classification: Uncertain significance. Last evaluated: 2024-01-31. Review status: criteria provided, single submitter. Criteria: GeneDx Variant Classification Process June 2021. Collection method: clinical testing. Allele origin: germline. Affected: yes.
Comment: Not observed at significant frequency in large population cohorts (gnomAD); In silico analysis supports that this missense variant has a deleterious effect on protein structure/function; Has not been previously published as pathogenic or benign to our knowledge